The following is an entry in ClinVar:

NM_014243.3(ADAMTS3):c.1754A>G (p.Asn585Ser)

Gene: ADAMTS3 (ADAM metallopeptidase with thrombospondin type 1 motif 3; minus strand). Cytogenetic location: 4q13.3.
Variant type: single nucleotide variant.
Coding change: c.1754A>G on transcript NM_014243.3 (MANE Select); coding-DNA position 1754, A replaced by G.
Protein change: p.Asn585Ser; replaces asparagine 585 with serine.
Molecular consequence: missense variant.
Genome position (GRCh38, 1-based): chr4:72,312,458, T>C on the plus strand (A>G on the coding strand, the complement: ADAMTS3 is on the minus strand). VCF-style: chr4-72312458-T-C. GRCh37 (hg19) VCF-style: chr4-73178175-T-C.
Other names: NC_000004.11:g.73178175T>C; short protein forms N585S.
Identifiers: ClinVar variation 770905 (VCV000770905.24), dbSNP rs150270324, ClinGen allele CA2956832.
Genomic context (GRCh38, chr4:72,312,458, plus strand): 5'-CATTCTTCTGTGTTACAAAGCTGGTACTCAAAATTAACACCAGGACAATCCTGACCACCA[T>C]TGATGGGCCTAAAGAAAAGACAACATTTAAAAAGGCCTTTTGGCTTCTGTCTAGCAGTTG-3'
Protein context (NP_055058.2, residues 575-595): TRQCNNPMPI[Asn585Ser]GGQDCPGVNF

ClinVar aggregate classification (germline): Benign. Review status: criteria provided, multiple submitters, no conflicts (2 of 4 stars). 5 submissions from 5 submitters: Benign (3). 2 of the submissions do not count toward it. Last evaluated 2026-08-01.

Allele frequency attached by ClinVar (database versions not stated): 1000 Genomes Project 30x 0.00515; ExAC 0.00946; gnomAD 0.00959 and 0.01011; gnomAD exomes 0.01033 and 0.01193; ESP Exome Variant Server 0.01038; TOPMed 0.01067; 1000 Genomes Project 0.00439.
gnomAD v4.1: 18,914 of 1,613,208 alleles (1.2%); highest among the groups gnomAD compares: Non-Finnish European, 1.3%; 146 homozygotes.

Submissions (14):

CeGaT Center for Human Genetics Tuebingen
Classification: Benign. Last evaluated: 2026-08-01. Review status: criteria provided, single submitter. Criteria: CeGaT Center For Human Genetics Tuebingen Variant Classification Criteria Version 2. Collection method: clinical testing. Allele origin: germline. Affected: yes. Observed: 10 variant alleles.
Comment: ADAMTS3: BS1, BS2

Labcorp Genetics (formerly Invitae), Labcorp
Classification: Benign. Last evaluated: 2019-12-31. Review status: criteria provided, single submitter. Criteria: Invitae Variant Classification Sherloc (09022015). Collection method: clinical testing. Allele origin: germline.

Breakthrough Genomics
Classification: Benign. Review status: criteria provided, single submitter. Criteria: ACMG Guidelines, 2015. Collection method: not provided. Allele origin: germline. Inheritance: Autosomal recessive inheritance. Affected: yes.

Clinical Genetics, Academic Medical Center
Classification: Benign. Review status: no assertion criteria provided. Collection method: clinical testing. Allele origin: germline. Affected: yes. Study: VKGL Data-share Consensus. Not counted in ClinVar's aggregate classification.

Dr. Peter K. Rogan Lab, Western University
No classification provided (evidence only). Condition: Clear cell carcinoma of kidney. Review status: no classification provided. Collection method: in vitro. Allele origin: not applicable. Functional consequence: retained intron. Not counted in ClinVar's aggregate classification.

Dr. Peter K. Rogan Lab, Western University
No classification provided (evidence only). Condition: Melanoma. Review status: no classification provided. Collection method: in vitro. Allele origin: not applicable. Functional consequence: retained intron. Not counted in ClinVar's aggregate classification.

Dr. Peter K. Rogan Lab, Western University
No classification provided (evidence only). Condition: Thyroid cancer, nonmedullary, 1. Review status: no classification provided. Collection method: in vitro. Allele origin: not applicable. Functional consequence: retained intron. Not counted in ClinVar's aggregate classification.

Dr. Peter K. Rogan Lab, Western University
No classification provided (evidence only). Condition: Thyroid cancer, nonmedullary, 1. Review status: no classification provided. Collection method: in vitro. Allele origin: not applicable. Functional consequence: retained intron. Not counted in ClinVar's aggregate classification.

Dr. Peter K. Rogan Lab, Western University
No classification provided (evidence only). Condition: Sarcoma. Review status: no classification provided. Collection method: in vitro. Allele origin: not applicable. Functional consequence: retained intron. Not counted in ClinVar's aggregate classification.

Dr. Peter K. Rogan Lab, Western University
No classification provided (evidence only). Condition: Ovarian serous cystadenocarcinoma. Review status: no classification provided. Collection method: in vitro. Allele origin: not applicable. Functional consequence: retained intron. Not counted in ClinVar's aggregate classification.

Dr. Peter K. Rogan Lab, Western University
No classification provided (evidence only). Condition: Ovarian serous cystadenocarcinoma. Review status: no classification provided. Collection method: in vitro. Allele origin: not applicable. Functional consequence: retained intron. Not counted in ClinVar's aggregate classification.

Dr. Peter K. Rogan Lab, Western University
No classification provided (evidence only). Condition: Ovarian serous cystadenocarcinoma. Review status: no classification provided. Collection method: in vitro. Allele origin: not applicable. Functional consequence: retained intron. Not counted in ClinVar's aggregate classification.

Dr. Peter K. Rogan Lab, Western University
No classification provided (evidence only). Condition: Gastric cancer. Review status: no classification provided. Collection method: in vitro. Allele origin: not applicable. Functional consequence: retained intron. Not counted in ClinVar's aggregate classification.

Laboratory of Diagnostic Genome Analysis, Leiden University Medical Center (LUMC)
Classification: Likely benign. Review status: no assertion criteria provided. Collection method: clinical testing. Allele origin: germline. Affected: yes. Study: VKGL Data-share Consensus. Not counted in ClinVar's aggregate classification.